The following is an entry in ClinVar:

NM_002769.5(PRSS1):c.283C>G (p.Arg95Gly)

Genes: TRB (T cell receptor beta locus; plus strand), PRSS1 (serine protease 1; plus strand). Cytogenetic location: 7q34.
Variant type: single nucleotide variant.
Coding change: c.283C>G on transcript NM_002769.5 (MANE Select); coding-DNA position 283, C replaced by G.
Protein change: p.Arg95Gly; replaces arginine 95 with glycine.
Molecular consequence: missense variant. On other transcripts: non-coding transcript variant (4).
Genome position (GRCh38, 1-based): chr7:142,751,856, C>G. VCF-style: chr7-142751856-C-G. GRCh37 (hg19) VCF-style: chr7-142459707-C-G.
Other names: short protein forms R95G.
Identifiers: ClinVar variation 1796694 (VCV001796694.3), dbSNP rs201775810, ClinGen allele CA4529905.
Genomic context (GRCh38, chr7:142,751,856, plus strand): 5'-GAGCACAACATCGAAGTCCTGGAGGGGAATGAGCAGTTCATCAATGCAGCCAAGATCATC[C>G]GCCACCCCCAATACGACAGGAAGACTCTGAACAATGACATCATGTTAATCAAGCTCTCCT-3'
Protein context (NP_002760.1, residues 85-105): EQFINAAKII[Arg95Gly]HPQYDRKTLN

ClinVar aggregate classification (germline): Uncertain significance (1 of 4 stars; one submission).

Conditions:
Hereditary pancreatitis (PCTT). Also called: Hereditary chronic pancreatitis; PRSS1-Related Hereditary Pancreatitis. Identifiers: Orphanet 676, MedGen C0238339, MONDO:0008185, OMIM 167800.

Allele frequency attached by ClinVar (database versions not stated): TOPMed 0.00001.
gnomAD v4.1: 5 of 1,613,908 alleles (0.00031%); highest among the groups gnomAD compares: Admixed American, 0.0083%; no homozygotes.

Submission:

Ambry Genetics
Classification: Uncertain significance for Hereditary pancreatitis. Last evaluated: 2024-07-30. Review status: criteria provided, single submitter. Criteria: Ambry Variant Classification Scheme 2023. Collection method: clinical testing. Allele origin: germline.
Comment: The p.R95G variant (also known as c.283C>G), located in coding exon 3 of the PRSS1 gene, results from a C to G substitution at nucleotide position 283. The arginine at codon 95 is replaced by glycine, an amino acid with dissimilar properties. This amino acid position is conserved. In addition, the in silico prediction for this alteration is inconclusive. Since supporting evidence is limited at this time, the clinical significance of this alteration remains unclear.